The following is an entry in ClinVar:

ClinVar aggregate classification (germline): Pathogenic. Review status: criteria provided, single submitter (1 of 4 stars). 2 submissions from 2 submitters: Pathogenic (1). 1 of the submissions does not count toward it. Last evaluated 2025-04-05.

Conditions:
Anophthalmia/microphthalmia-esophageal atresia syndrome (MCOPS3). Also called: MICROPHTHALMIA AND ESOPHAGEAL ATRESIA SYNDROME; AEG SYNDROME; SOX2 Disorder. Identifiers: Orphanet 77298, MedGen C1859773, MONDO:0008799, OMIM 206900.

Submissions (2):

GeneDx
Classification: Pathogenic. Last evaluated: 2025-04-05. Review status: criteria provided, single submitter. Criteria: GeneDx Variant Classification Process June 2021. Collection method: clinical testing. Allele origin: germline. Affected: yes.
Comment: Frameshift variant predicted to result in abnormal protein length as the last 4 amino acid(s) are replaced with 56 different amino acid(s), and other similar variants have been reported in HGMD; Not observed at significant frequency in large population cohorts (gnomAD); Has not been previously published as pathogenic or benign to our knowledge

Anophthalmia/Microphthalmia Research Registry, Einstein Medical Center Philadelphia
Classification: Pathogenic for Anophthalmia/microphthalmia-esophageal atresia syndrome. Review status: no assertion criteria provided. Collection method: research. Allele origin: germline. Inheritance: Autosomal dominant inheritance. Affected: yes. Observed: 1 variant allele. Segregation with disease not observed. Not counted in ClinVar's aggregate classification.

NM_003106.4(SOX2):c.941del (p.Leu314fs)

Genes: SOX2-OT (SOX2 overlapping transcript; plus strand), SOX2 (SRY-box transcription factor 2; plus strand). Cytogenetic location: 3q26.33.
Variant type: Deletion.
Coding change: c.941del on transcript NM_003106.4 (MANE Select); coding-DNA position 941, one base deleted (T; older notation c.941delT).
Protein change: p.Leu314fs; shifts the reading frame from leucine 314.
Molecular consequence: frameshift variant.
Genome position (GRCh38, 1-based): chr3:181,713,301, T deleted. VCF-style (leftmost placement, unchanged base first): chr3-181713300-CT-C. GRCh37 (hg19) VCF-style: chr3-181431088-CT-C.
Other names: c.941delT (NM_003106.3); c.941del (NM_003106.3); short protein forms L314fs.
Identifiers: ClinVar variation 986771 (VCV000986771.2), dbSNP rs1714883776, ClinGen allele CA1139658378.